The following is an entry in ClinVar:

ClinVar aggregate classification (germline): Uncertain significance. Review status: criteria provided, single submitter (1 of 4 stars). 2 submissions from 2 submitters: Uncertain significance (1). 1 of the submissions does not count toward it. Last evaluated 2026-01-18.

Conditions:
PKD1-related disorder. Also called: PKD1-related condition.

Allele frequency attached by ClinVar (database versions not stated): gnomAD 0.00039; 1000 Genomes Project 0.00040; gnomAD exomes 0.00057; ESP Exome Variant Server 0.00062; ExAC 0.00083; 1000 Genomes Project 30x 0.00031; TOPMed 0.00038.

Submissions (2):

GeneDx
Classification: Uncertain significance. Last evaluated: 2026-01-18. Review status: criteria provided, single submitter. Criteria: GeneDx Variant Classification Process June 2021. Collection method: clinical testing. Allele origin: germline. Affected: yes.
Comment: Observed with a second variant in a patient with polycystic kidney disease in published literature (PMID: 17574468); In silico analysis suggests this variant may impact gene splicing. In the absence of RNA/functional studies, the actual effect of this sequence change is unknown.; This variant is associated with the following publications: (PMID: 17574468)

PreventionGenetics, part of Exact Sciences
Classification: Likely benign for PKD1-related condition. Last evaluated: 2023-08-24. Review status: no assertion criteria provided. Collection method: clinical testing. Allele origin: germline. Not counted in ClinVar's aggregate classification.
Comment: This variant is classified as likely benign based on ACMG/AMP sequence variant interpretation guidelines (Richards et al. 2015 PMID: 25741868, with internal and published modifications).

NM_001009944.3(PKD1):c.8948+28G>T

Gene: PKD1 (polycystin 1, transient receptor potential channel interacting; minus strand). Cytogenetic location: 16p13.3.
Variant type: single nucleotide variant.
Coding change: c.8948+28G>T on transcript NM_001009944.3 (MANE Select); 28 bases into the intron after coding-DNA position 8948, G replaced by T.
Molecular consequence: intron variant.
Genome position (GRCh38, 1-based): chr16:2,102,786, C>A on the plus strand (G>T on the coding strand, the complement: PKD1 is on the minus strand). VCF-style: chr16-2102786-C-A. GRCh37 (hg19) VCF-style: chr16-2152787-C-A.
Other names: c.8948+28G>T (NM_001009944.2, NM_000296.4).
Identifiers: ClinVar variation 2572756 (VCV002572756.4), dbSNP rs201013633, ClinGen allele CA7830281.